The following is an entry in ClinVar:

ClinVar aggregate classification (germline): Conflicting classifications of pathogenicity. Review status: criteria provided, conflicting classifications (1 of 4 stars). 7 submissions from 7 submitters: Uncertain significance (2); Likely benign (4). 1 of the submissions does not count toward it. Last evaluated 2026-02-04.

Conditions:
SLC37A4-related disorder. Also called: SLC37A4-related condition.
Inborn genetic diseases. Identifiers: MedGen C0950123, MeSH D030342.
Glucose-6-phosphate transport defect (GSD1B). Also called: GSD Ib; Glycogen Storage Disease Type Ib. Identifiers: Orphanet 364, Orphanet 79259, MedGen C0268146, MONDO:0009288, OMIM 232220.

Allele frequency attached by ClinVar (database versions not stated): 1000 Genomes Project 0.00080; 1000 Genomes Project 30x 0.00094; ESP Exome Variant Server 0.00095; TOPMed 0.00135.

Submissions (7):

Women's Health and Genetics/Laboratory Corporation of America, LabCorp
Classification: Likely benign. Last evaluated: 2026-02-04. Review status: criteria provided, single submitter. Criteria: LabCorp Variant Classification Summary - May 2015. Collection method: clinical testing. Allele origin: germline.
Comment: Variant summary: SLC37A4 c.872C>T (p.Ala291Val) results in a non-conservative amino acid change in the encoded protein sequence. Algorithms developed to predict the effect of missense changes on protein structure and function are either unavailable or do not agree on the potential impact of this missense change. Consensus agreement among computation tools predict no significant impact on normal splicing. However, these predictions have yet to be confirmed by functional studies. The variant allele was found at a frequency of 0.00034 in 208402 control chromosomes, predominantly at a frequency of 0.0047 within the African or African-American subpopulation in the gnomAD database. The observed variant frequency within African or African-American control individuals in the gnomAD database exceeds the estimated maximal expected allele frequency for disease-causing variants in SLC37A4. To our knowledge, no occurrence of c.872C>T in individuals affected with SLC37A4-related conditions and no experimental evidence demonstrating its impact on protein function have been reported. ClinVar contains an entry for this variant (Variation ID: 459625). Based on the evidence outlined above, the variant was classified as likely benign.

Labcorp Genetics (formerly Invitae), Labcorp
Classification: Likely benign for Glucose-6-phosphate transport defect. Last evaluated: 2026-02-01. Review status: criteria provided, single submitter. Criteria: Invitae Variant Classification Sherloc (09022015). Collection method: clinical testing. Allele origin: germline.

Mayo Clinic Laboratories, Mayo Clinic
Classification: Likely benign. Last evaluated: 2025-06-25. Review status: criteria provided, single submitter. Criteria: ACMG Guidelines, 2015. Collection method: clinical testing. Allele origin: germline. Observed: 4 variant alleles.
Comment: BS1

Blueprint Genetics
Classification: Uncertain significance. Last evaluated: 2024-02-09. Review status: criteria provided, single submitter. Criteria: ACMG Guidelines, 2015. Collection method: clinical testing. Allele origin: germline.

Ambry Genetics
Classification: Uncertain significance for Inborn genetic diseases. Last evaluated: 2023-10-23. Review status: criteria provided, single submitter. Criteria: Ambry Variant Classification Scheme 2023. Collection method: clinical testing. Allele origin: germline.
Comment: The p.A291V variant (also known as c.872C>T), located in coding exon 6 of the SLC37A4 gene, results from a C to T substitution at nucleotide position 872. The alanine at codon 291 is replaced by valine, an amino acid with similar properties. This amino acid position is conserved. In addition, this alteration is predicted to be tolerated by in silico analysis. Since supporting evidence is limited at this time, the clinical significance of this alteration remains unclear.

GeneDx
Classification: Likely benign. Last evaluated: 2021-03-17. Review status: criteria provided, single submitter. Criteria: GeneDx Variant Classification Process June 2021. Collection method: clinical testing. Allele origin: germline. Affected: yes.

PreventionGenetics, part of Exact Sciences
Classification: Likely benign for SLC37A4-related condition. Last evaluated: 2023-02-07. Review status: no assertion criteria provided. Collection method: clinical testing. Allele origin: germline. Not counted in ClinVar's aggregate classification.
Comment: This variant is classified as likely benign based on ACMG/AMP sequence variant interpretation guidelines (Richards et al. 2015 PMID: 25741868, with internal and published modifications).

NM_001164277.2(SLC37A4):c.872C>T (p.Ala291Val)

Gene: SLC37A4 (solute carrier family 37 member 4; minus strand). Cytogenetic location: 11q23.3.
Variant type: single nucleotide variant.
Coding change: c.872C>T on transcript NM_001164277.2 (MANE Select); coding-DNA position 872, C replaced by T.
Protein change: p.Ala291Val; replaces alanine 291 with valine.
Molecular consequence: missense variant.
Genome position (GRCh38, 1-based): chr11:119,026,079, G>A on the plus strand (C>T on the coding strand, the complement: SLC37A4 is on the minus strand). VCF-style: chr11-119026079-G-A. GRCh37 (hg19) VCF-style: chr11-118896789-G-A.
Other names: p.Ala291Val; c.872C>T, p.Ala291Val (NM_001164278.2, NM_001164280.2, NM_001467.6); c.653C>T, p.Ala218Val (NM_001164279.2); short protein forms A291V, A218V.
Identifiers: ClinVar variation 459625 (VCV000459625.22), dbSNP rs200147602, ClinGen allele CA6311694.
Genomic context (GRCh38, chr11:119,026,079, plus strand): 5'-ATGCCAGCCATCATGAACAGCAACAGGCCATGGCGAGGGTTCCCGTAGTTGGACAGTCCC[G>A]CCTATGGATACAGTCCCGGCAATGTCACGTCCTCAGAACAGGGCAGAGAACACCCACCCC-3'
Protein context (NP_001157749.1, residues 281-301): GYLSDRAMAK[Ala291Val]GLSNYGNPRH